The following is an entry in ClinVar:

NM_176869.3(PPA2):c.533T>C (p.Leu178Pro)

Gene: PPA2 (inorganic pyrophosphatase 2; minus strand). Cytogenetic location: 4q24.
Variant type: single nucleotide variant.
Coding change: c.533T>C on transcript NM_176869.3 (MANE Select); coding-DNA position 533, T replaced by C.
Protein change: p.Leu178Pro; replaces leucine 178 with proline.
Molecular consequence: missense variant. On other transcripts: intron variant (1).
Genome position (GRCh38, 1-based): chr4:105,424,318, A>G on the plus strand (T>C on the coding strand, the complement: PPA2 is on the minus strand). VCF-style: chr4-105424318-A-G. GRCh37 (hg19) VCF-style: chr4-106345475-A-G.
Other names: c.446T>C, p.Leu149Pro (NM_006903.4); c.227T>C, p.Leu76Pro (NM_176866.2); c.158-25154T>C (NM_176867.3); short protein forms L76P, L149P, L178P.
Identifiers: ClinVar variation 1986624 (VCV001986624.1), dbSNP rs373138169, ClinGen allele CA102771803.

ClinVar aggregate classification (germline): Uncertain significance (1 of 4 stars; one submission).

Allele frequency attached by ClinVar (database versions not stated): gnomAD 0.00001; TOPMed 0.00002; ESP Exome Variant Server 0.00008.
gnomAD v4.1: 8 of 1,586,612 alleles (0.0005%); highest among the groups gnomAD compares: Non-Finnish European, 0.00068%; no homozygotes.

Submission:

Labcorp Genetics (formerly Invitae), Labcorp
Classification: Uncertain significance. Last evaluated: 2022-07-13. Review status: criteria provided, single submitter. Criteria: Invitae Variant Classification Sherloc (09022015). Collection method: clinical testing. Allele origin: germline.
Comment: This sequence change replaces leucine, which is neutral and non-polar, with proline, which is neutral and non-polar, at codon 178 of the PPA2 protein (p.Leu178Pro). This variant is not present in population databases (gnomAD no frequency). This variant has not been reported in the literature in individuals affected with PPA2-related conditions. Algorithms developed to predict the effect of missense changes on protein structure and function are either unavailable or do not agree on the potential impact of this missense change (SIFT: "Tolerated"; PolyPhen-2: "Probably Damaging"; Align-GVGD: "Class C0"). In summary, the available evidence is currently insufficient to determine the role of this variant in disease. Therefore, it has been classified as a Variant of Uncertain Significance.